The following is an entry in ClinVar:

NM_020207.7(ERCC6L2):c.1320A>G (p.Thr440=)

Gene: ERCC6L2 (ERCC excision repair 6 like 2; plus strand). Cytogenetic location: 9q22.32.
Variant type: single nucleotide variant.
Coding change: c.1320A>G on transcript NM_020207.7 (MANE Select); coding-DNA position 1320, A replaced by G.
Protein change: p.Thr440=; no amino-acid change (threonine 440 retained).
Molecular consequence: synonymous variant. On other transcripts: non-coding transcript variant (1).
Genome position (GRCh38, 1-based): chr9:95,922,325, A>G. VCF-style: chr9-95922325-A-G. GRCh37 (hg19) VCF-style: chr9-98684607-A-G.
Other names: c.1320A>G, p.Thr440= (NM_001010895.4, NM_001375291.1, NM_001375292.1 and 2 more transcripts); c.1353A>G (NM_001010895.2).
Identifiers: ClinVar variation 1591840 (VCV001591840.11), dbSNP rs769325112, ClinGen allele CA5139533.

ClinVar aggregate classification (germline): Benign/Likely benign. Review status: criteria provided, multiple submitters, no conflicts (2 of 4 stars). 4 submissions from 4 submitters: Benign (1); Likely benign (2). 1 of the submissions does not count toward it. Last evaluated 2025-03-13.

Conditions:
Inborn genetic diseases. Identifiers: MedGen C0950123, MeSH D030342.
ERCC6L2-related disorder. Also called: ERCC6L2-related condition.

Allele frequency attached by ClinVar (database versions not stated): gnomAD 0.00001 and 0.00004; TOPMed 0.00003; ExAC 0.00004; gnomAD exomes 0.00005 and 0.00020.
gnomAD v4.1: 282 of 1,610,838 alleles (0.018%); highest among the groups gnomAD compares: East Asian, 0.62%; 2 homozygotes.

Submissions (4):

Labcorp Genetics (formerly Invitae), Labcorp
Classification: Benign. Last evaluated: 2025-03-13. Review status: criteria provided, single submitter. Criteria: Invitae Variant Classification Sherloc (09022015). Collection method: clinical testing. Allele origin: germline.

Ambry Genetics
Classification: Likely benign for Inborn genetic diseases. Last evaluated: 2024-12-16. Review status: criteria provided, single submitter. Criteria: Ambry Variant Classification Scheme 2023. Collection method: clinical testing. Allele origin: germline.

Blueprint Genetics
Classification: Likely benign. Last evaluated: 2021-10-22. Review status: criteria provided, single submitter. Criteria: ACMG Guidelines, 2015. Collection method: clinical testing. Allele origin: germline.

PreventionGenetics, part of Exact Sciences
Classification: Likely benign for ERCC6L2-related condition. Last evaluated: 2019-06-12. Review status: no assertion criteria provided. Collection method: clinical testing. Allele origin: germline. Not counted in ClinVar's aggregate classification.
Comment: This variant is classified as likely benign based on ACMG/AMP sequence variant interpretation guidelines (Richards et al. 2015 PMID: 25741868, with internal and published modifications).